The following is an entry in ClinVar:

NM_133459.4(CCBE1):c.1030G>C (p.Asp344His)

Gene: CCBE1 (collagen and calcium binding EGF domains 1; minus strand). Cytogenetic location: 18q21.32.
Variant type: single nucleotide variant.
Coding change: c.1030G>C on transcript NM_133459.4 (MANE Select); coding-DNA position 1030, G replaced by C.
Protein change: p.Asp344His; replaces aspartic acid 344 with histidine.
Molecular consequence: missense variant.
Genome position (GRCh38, 1-based): chr18:59,436,099, C>G on the plus strand (G>C on the coding strand, the complement: CCBE1 is on the minus strand). VCF-style: chr18-59436099-C-G. GRCh37 (hg19) VCF-style: chr18-57103331-C-G.
Other names: short protein forms D344H.
Identifiers: ClinVar variation 1490471 (VCV001490471.8), dbSNP rs2143605525, ClinGen allele CA402594212.

ClinVar aggregate classification (germline): Uncertain significance (1 of 4 stars; one submission).

Submission:

Labcorp Genetics (formerly Invitae), Labcorp
Classification: Uncertain significance. Last evaluated: 2021-06-19. Review status: criteria provided, single submitter. Criteria: Invitae Variant Classification Sherloc (09022015). Collection method: clinical testing. Allele origin: germline.
Comment: This sequence change replaces aspartic acid with histidine at codon 344 of the CCBE1 protein (p.Asp344His). The aspartic acid residue is highly conserved and there is a moderate physicochemical difference between aspartic acid and histidine. This variant is not present in population databases (ExAC no frequency). This variant has not been reported in the literature in individuals with CCBE1-related conditions. Algorithms developed to predict the effect of missense changes on protein structure and function are either unavailable or do not agree on the potential impact of this missense change (SIFT: "Deleterious"; PolyPhen-2: "Possibly Damaging"; Align-GVGD: "Class C0"). In summary, the available evidence is currently insufficient to determine the role of this variant in disease. Therefore, it has been classified as a Variant of Uncertain Significance.